The following is an entry in ClinVar:

NM_007186.6(CEP250):c.4495C>T (p.Arg1499Ter)

Gene: CEP250 (centrosomal protein 250; plus strand). Cytogenetic location: 20q11.22.
Variant type: single nucleotide variant.
Coding change: c.4495C>T on transcript NM_007186.6 (MANE Select); coding-DNA position 4495, C replaced by T.
Protein change: p.Arg1499Ter; replaces arginine 1499 with a stop codon.
Molecular consequence: nonsense.
Genome position (GRCh38, 1-based): chr20:35,502,864, C>T. VCF-style: chr20-35502864-C-T. GRCh37 (hg19) VCF-style: chr20-34090692-C-T.
Other names: c.2599C>T, p.Arg867Ter (NM_001318219.1); short protein forms R1499*, R867*.
Identifiers: ClinVar variation 1950385 (VCV001950385.6), dbSNP rs373164723, ClinGen allele CA9833728.

ClinVar aggregate classification (germline): Pathogenic/Likely pathogenic. Review status: criteria provided, multiple submitters, no conflicts (2 of 4 stars). 2 submissions from 2 submitters: Pathogenic (1); Likely pathogenic (1). Last evaluated 2025-02-03.

Conditions:
CEP250-related disorder. Also called: CEP250-related condition.

Allele frequency attached by ClinVar (database versions not stated): gnomAD 0.00001; TOPMed 0.00001; ExAC 0.00002; ESP Exome Variant Server 0.00008.
gnomAD v4.1: 11 of 1,614,046 alleles (0.00068%); highest among the groups gnomAD compares: East Asian, 0.0022%; no homozygotes.

Submissions (2):

Labcorp Genetics (formerly Invitae), Labcorp
Classification: Pathogenic. Last evaluated: 2025-02-03. Review status: criteria provided, single submitter. Criteria: Invitae Variant Classification Sherloc (09022015). Collection method: clinical testing. Allele origin: germline.
Comment: This sequence change creates a premature translational stop signal (p.Arg1499*) in the CEP250 gene. It is expected to result in an absent or disrupted protein product. Loss-of-function variants in CEP250 are known to be pathogenic (PMID: 24780881, 29718797). This variant is present in population databases (rs373164723, gnomAD 0.005%). This variant has not been reported in the literature in individuals affected with CEP250-related conditions. ClinVar contains an entry for this variant (Variation ID: 1950385). For these reasons, this variant has been classified as Pathogenic.

Blueprint Genetics
Classification: Likely pathogenic for CEP250-related disorders. Last evaluated: 2024-04-23. Review status: criteria provided, single submitter. Criteria: ACMG Guidelines, 2015. Collection method: clinical testing. Allele origin: germline. Affected: yes. Observed: 2 variant alleles.

Literature cited by the submitters: PubMed 24780881 (cited by Labcorp Genetics (formerly Invitae), Labcorp); PubMed 29718797 (cited by Labcorp Genetics (formerly Invitae), Labcorp).